The following is an entry in ClinVar:

ClinVar aggregate classification (germline): Uncertain significance (1 of 4 stars; one submission).

Submission:

GeneDx
Classification: Uncertain significance. Last evaluated: 2024-09-12. Review status: criteria provided, single submitter. Criteria: GeneDx Variant Classification Process June 2021. Collection method: clinical testing. Allele origin: germline. Affected: yes.
Comment: Not observed at significant frequency in large population cohorts (gnomAD); Published functional studies suggest a damaging effect (PMID: 29187575, 26378250); In silico analysis indicates that this missense variant does not alter protein structure/function; Has not been previously published in association with an SMC3-related disorder to our knowledge; This variant is associated with the following publications: (PMID: 36370456, 37055084, 37975572, 37045607, 18653894, 19328069, 22190734, 35710835, 25378582, 29187575, 26378250, 29100057, 20153193, 26895425, 26583750)

NM_005445.4(SMC3):c.338A>G (p.Lys113Arg)

Gene: SMC3 (structural maintenance of chromosomes 3; plus strand). Cytogenetic location: 10q25.2.
Variant type: single nucleotide variant.
Coding change: c.338A>G on transcript NM_005445.4 (MANE Select); coding-DNA position 338, A replaced by G.
Protein change: p.Lys113Arg; replaces lysine 113 with arginine.
Molecular consequence: missense variant.
Genome position (GRCh38, 1-based): chr10:110,577,902, A>G. VCF-style: chr10-110577902-A-G. GRCh37 (hg19) VCF-style: chr10-112337660-A-G.
Other names: short protein forms K113R.
Identifiers: ClinVar variation 3770050 (VCV003770050.1).